The following is an entry in ClinVar:

NM_018965.4(TREM2):c.*109C>G

Gene: TREM2 (triggering receptor expressed on myeloid cells 2; minus strand). Cytogenetic location: 6p21.1.
Variant type: single nucleotide variant.
Coding change: c.*109C>G on transcript NM_018965.4 (MANE Select); 109 bases downstream of the stop codon, C replaced by G.
Molecular consequence: 3 prime UTR variant. On other transcripts: missense variant (1).
Genome position (GRCh38, 1-based): chr6:41,158,655, G>C on the plus strand (C>G on the coding strand, the complement: TREM2 is on the minus strand). VCF-style: chr6-41158655-G-C. GRCh37 (hg19) VCF-style: chr6-41126393-G-C.
Other names: c.608C>G, p.Thr203Ser (NM_001271821.2); short protein forms T203S.
Identifiers: ClinVar variation 1482828 (VCV001482828.6), dbSNP rs2113876726, ClinGen allele CA364057018.

ClinVar aggregate classification (germline): Uncertain significance (1 of 4 stars; one submission).

gnomAD v4.1: 1 of 1,607,254 alleles (0.000062%); no homozygotes.

Submission:

Labcorp Genetics (formerly Invitae), Labcorp
Classification: Uncertain significance. Last evaluated: 2021-12-02. Review status: criteria provided, single submitter. Criteria: Invitae Variant Classification Sherloc (09022015). Collection method: clinical testing. Allele origin: germline.
Comment: In summary, the available evidence is currently insufficient to determine the role of this variant in disease. Therefore, it has been classified as a Variant of Uncertain Significance. Experimental studies and prediction algorithms are not available or were not evaluated, and the functional significance of this variant is currently unknown. This variant has not been reported in the literature in individuals affected with TREM2-related conditions. This variant is not present in population databases (gnomAD no frequency). This sequence change replaces tryptophan with serine at codon 203 of the TREM2 protein (p.Trp203Ser). The TREM2 gene has multiple clinically relevant transcripts. This variant occurs in alternate transcript NM_001271821.1, and corresponds to NM_018965.3:c.*109C>G in the primary transcript. The TREM2 gene has multiple clinically relevant transcripts. This variant occurs in alternate transcript NM_001271821.1, and corresponds to NM_018965.3:c.*109C>G in the primary transcript.